The following is an entry in ClinVar:

ClinVar aggregate classification (germline): Uncertain significance (1 of 4 stars; one submission).

Conditions:
Congenital disorder of deglycosylation (CDDG). Identifiers: MedGen C3808991, MONDO:0031376.

Submission:

Labcorp Genetics (formerly Invitae), Labcorp
Classification: Uncertain significance for Congenital disorder of deglycosylation. Last evaluated: 2023-12-07. Review status: criteria provided, single submitter. Criteria: Invitae Variant Classification Sherloc (09022015). Collection method: clinical testing. Allele origin: germline.
Comment: This sequence change replaces phenylalanine, which is neutral and non-polar, with isoleucine, which is neutral and non-polar, at codon 379 of the NGLY1 protein (p.Phe379Ile). This variant is not present in population databases (gnomAD no frequency). This variant has not been reported in the literature in individuals affected with NGLY1-related conditions. ClinVar contains an entry for this variant (Variation ID: 1431270). Advanced modeling of protein sequence and biophysical properties (such as structural, functional, and spatial information, amino acid conservation, physicochemical variation, residue mobility, and thermodynamic stability) performed at Invitae indicates that this missense variant is expected to disrupt NGLY1 protein function with a positive predictive value of 80%. In summary, the available evidence is currently insufficient to determine the role of this variant in disease. Therefore, it has been classified as a Variant of Uncertain Significance.

NM_018297.4(NGLY1):c.1135T>A (p.Phe379Ile)

Gene: NGLY1 (N-glycanase 1; minus strand). Cytogenetic location: 3p24.2.
Variant type: single nucleotide variant.
Coding change: c.1135T>A on transcript NM_018297.4 (MANE Select); coding-DNA position 1135, T replaced by A.
Protein change: p.Phe379Ile; replaces phenylalanine 379 with isoleucine.
Molecular consequence: missense variant. On other transcripts: intron variant (1).
Genome position (GRCh38, 1-based): chr3:25,736,018, A>T on the plus strand (T>A on the coding strand, the complement: NGLY1 is on the minus strand). VCF-style: chr3-25736018-A-T. GRCh37 (hg19) VCF-style: chr3-25777509-A-T.
Other names: c.1009T>A, p.Phe337Ile (NM_001145294.2); c.1135T>A, p.Phe379Ile (NM_001145295.2); c.1095+291T>A (NM_001145293.2); short protein forms F379I, F337I.
Identifiers: ClinVar variation 1431270 (VCV001431270.8), dbSNP rs2125475415, ClinGen allele CA351900689.